The following is an entry in ClinVar:

ClinVar aggregate classification (germline): Pathogenic. Review status: criteria provided, multiple submitters, no conflicts (2 of 4 stars). 2 submissions from 2 submitters: Pathogenic (2). Last evaluated 2026-05-26.

Conditions:
Breast-ovarian cancer, familial, susceptibility to, 1 (BROVCA1). Also called: BRCA1 Hereditary Breast and Ovarian Cancer; OVARIAN CANCER, SUSCEPTIBILITY TO. Identifiers: Orphanet 145, MedGen C2676676, MONDO:0011450, OMIM 604370. Disease mechanism: loss of function.
Hereditary cancer-predisposing syndrome. Also called: Hereditary Cancer Syndrome; Hereditary neoplastic syndrome; Neoplastic Syndromes, Hereditary; Tumor predisposition. Identifiers: Orphanet 140162, MedGen C0027672, MeSH D009386, MONDO:0015356.

Submissions (2):

Ambry Genetics
Classification: Pathogenic for Hereditary cancer-predisposing syndrome. Last evaluated: 2026-05-26. Review status: criteria provided, single submitter. Criteria: Ambry Variant Classification Scheme 2023. Collection method: clinical testing. Allele origin: germline.
Comment: The c.2868_2869delTC pathogenic mutation, located in coding exon 9 of the BRCA1 gene, results from a deletion of two nucleotides at nucleotide positions 2868 to 2869, causing a translational frameshift with a predicted alternate stop codon (p.Q957Vfs*13). This variant is considered to be rare based on population cohorts in the Genome Aggregation Database (gnomAD). This alteration is expected to result in loss of function by premature protein truncation or nonsense-mediated mRNA decay. As such, this alteration is interpreted as a disease-causing mutation.

Myriad Genetics, Inc.
Classification: Pathogenic for Breast-ovarian cancer, familial, susceptibility to, 1. Last evaluated: 2023-02-08. Review status: criteria provided, single submitter. Criteria: Myriad Autosomal Dominant, Autosomal Recessive and X-Linked Classification Criteria (2023). Collection method: clinical testing. Allele origin: unknown.
Comment: This variant is considered pathogenic. This variant creates a frameshift predicted to result in premature protein truncation.

NM_007294.4(BRCA1):c.2868_2869del (p.Gln957fs)

Gene: BRCA1 (BRCA1 DNA repair associated; minus strand). Cytogenetic location: 17q21.31.
Variant type: Microsatellite.
Coding change: c.2868_2869del on transcript NM_007294.4 (MANE Select); coding-DNA positions 2868 to 2869, 2 bases deleted (TC; older notation c.2868_2869delTC).
Protein change: p.Gln957fs; shifts the reading frame from glutamine 957.
Molecular consequence: frameshift variant. On other transcripts: intron variant (137).
Genome position (GRCh38, 1-based): chr17:43,092,662-43,092,663, GA deleted on the plus strand (TC on the coding strand, the reverse complement: BRCA1 is on the minus strand); deleting any 2 consecutive bases within chr17:43,092,662-43,092,665 gives the same sequence; the c. name uses the placement nearest the transcript's 3' end. VCF-style (leftmost placement, unchanged base first): chr17-43092661-TGA-T. GRCh37 (hg19) VCF-style: chr17-41244678-TGA-T.
Other names: c.2865_2866del, p.Gln956fs (NM_001407627.1, NM_001407628.1, NM_001407629.1 and 22 more transcripts); c.2868_2869del, p.Gln957fs (NM_001407639.1, NM_001407640.1, NM_001407641.1 and 30 more transcripts); c.2658_2659del, p.Gln887fs (NM_001407902.1, NM_001407904.1, NM_001407906.1 and 13 more transcripts); c.521-1631_521-1630del (NM_001408504.1, NM_001408503.1, NM_001408505.1); c.644-1631_644-1630del (NM_001408463.1, NM_001408462.1, NM_001408468.1 and 3 more transcripts); c.524-1631_524-1630del (NM_001408499.1, NM_001408501.1, NM_001408498.1 and 3 more transcripts); c.671-1631_671-1630del (NM_001408422.1, NM_001408418.1, NM_001408423.1 and 2 more transcripts); c.707-1631_707-1630del (NM_001408416.1, NM_001408413.1); and 43 more; short protein forms Q661fs, Q789fs, Q829fs, Q830fs, Q845fs, Q846fs, Q868fs, Q869fs.
Identifiers: ClinVar variation 2573288 (VCV002573288.2), dbSNP rs2552182200, ClinGen allele CA2580612665.